The following is an entry in ClinVar:

NM_001349884.2(DRAM2):c.71T>C (p.Ile24Thr)

Gene: DRAM2 (DNA damage regulated autophagy modulator 2; minus strand). Cytogenetic location: 1p13.3.
Variant type: single nucleotide variant.
Coding change: c.71T>C on transcript NM_001349884.2 (MANE Select); coding-DNA position 71, T replaced by C.
Protein change: p.Ile24Thr; replaces isoleucine 24 with threonine.
Molecular consequence: missense variant. On other transcripts: 5 prime UTR variant (8), non-coding transcript variant (8).
Genome position (GRCh38, 1-based): chr1:111,131,484, A>G on the plus strand (T>C on the coding strand, the complement: DRAM2 is on the minus strand). VCF-style: chr1-111131484-A-G. GRCh37 (hg19) VCF-style: chr1-111674106-A-G.
Other names: c.71T>C, p.Ile24Thr (NM_001349881.2, NM_001349882.2, NM_001349885.2 and 1 more transcripts); c.-88T>C (NM_001349886.2, NM_001349887.2, NM_001349888.2); c.-180T>C (NM_001349889.2, NM_001349890.2, NM_001349892.2 and 1 more transcripts); c.-348T>C (NM_001349891.2); short protein forms I24T.
Identifiers: ClinVar variation 2086575 (VCV002086575.1), dbSNP rs370692166, ClinGen allele CA1001960.
Genomic context (GRCh38, chr1:111,131,484, plus strand): 5'-CTGATATAAGGTAAAGCCGGGTCTATATGGTGGAGTGTTACTGCAGTAATGTATGAAAAT[A>G]TGAAAGCAGCAGATGTCCAAATTACAAGGGCTGAAGGAAGGAAACTGAGGCCTTGCTGAA-3'
Protein context (NP_001336813.1, residues 14-34): ALVIWTSAAF[Ile24Thr]FSYITAVTLH

ClinVar aggregate classification (germline): Uncertain significance (1 of 4 stars; one submission).

Allele frequency attached by ClinVar (database versions not stated): gnomAD exomes below 0.00001; ExAC 0.00001; TOPMed 0.00001; ESP Exome Variant Server 0.00008.
gnomAD v4.1: 2 of 1,614,192 alleles (0.00012%); highest among the groups gnomAD compares: Non-Finnish European, 0.00017%; no homozygotes.

Submission:

Labcorp Genetics (formerly Invitae), Labcorp
Classification: Uncertain significance. Last evaluated: 2022-01-16. Review status: criteria provided, single submitter. Criteria: Invitae Variant Classification Sherloc (09022015). Collection method: clinical testing. Allele origin: germline.
Comment: This sequence change replaces isoleucine, which is neutral and non-polar, with threonine, which is neutral and polar, at codon 24 of the DRAM2 protein (p.Ile24Thr). This variant is present in population databases (rs370692166, gnomAD 0.0009%). This variant has not been reported in the literature in individuals affected with DRAM2-related conditions. Algorithms developed to predict the effect of missense changes on protein structure and function output the following: SIFT: "Tolerated"; PolyPhen-2: "Benign"; Align-GVGD: "Class C0". The threonine amino acid residue is found in multiple mammalian species, which suggests that this missense change does not adversely affect protein function. In summary, the available evidence is currently insufficient to determine the role of this variant in disease. Therefore, it has been classified as a Variant of Uncertain Significance.